The following is an entry in ClinVar:

NC_000004.12:g.(?_25156846)_(25156984_?)del

Gene: SEPSECS (Sep (O-phosphoserine) tRNA:Sec (selenocysteine) tRNA synthase; minus strand). Cytogenetic location: 4p15.2.
Variant type: Deletion.
Identifiers: ClinVar variation 830459 (VCV000830459.3).

ClinVar aggregate classification (germline): Pathogenic (1 of 4 stars; one submission).

Submission:

Labcorp Genetics (formerly Invitae), Labcorp
Classification: Pathogenic. Last evaluated: 2021-07-17. Review status: criteria provided, single submitter. Criteria: Invitae Variant Classification Sherloc (09022015). Collection method: clinical testing. Allele origin: germline.
Comment: For these reasons, this variant has been classified as Pathogenic. This variant has not been reported in the literature in individuals affected with SEPSECS-related conditions. This variant is a gross deletion of the genomic region encompassing exon(s) 3 of the SEPSECS gene. This deletion is out-of-frame, and is expected to create a premature translational stop signal and result in an absent or disrupted protein product. Loss-of-function variants in SEPSECS are known to be pathogenic (PMID: 25558065, 25590979, 26115735).

Literature cited by the submitters: PubMed 25558065; PubMed 25590979; PubMed 26115735.